The following is an entry in ClinVar:

NM_031885.5(BBS2):c.1225+2dup

Gene: BBS2 (Bardet-Biedl syndrome 2; minus strand). Cytogenetic location: 16q13.
Variant type: Duplication.
Coding change: c.1225+2dup on transcript NM_031885.5 (MANE Select); the canonical splice donor site of the intron after coding-DNA position 1225, one base duplicated (T; older notation c.1225+2dupT).
Molecular consequence: splice donor variant.
Genome position (GRCh38, 1-based): chr16:56,501,351, A duplicated on the plus strand (T on the coding strand, the reverse complement: BBS2 is on the minus strand). VCF-style (leftmost placement, unchanged base first): chr16-56501350-T-TA. GRCh37 (hg19) VCF-style: chr16-56535262-T-TA.
Other names: c.1225+2dup (NM_001377456.1); c.1225+2dupT (NM_031885.3).
Identifiers: ClinVar variation 2680007 (VCV002680007.4), dbSNP rs1567575193, ClinGen allele CA622656282.

ClinVar aggregate classification (germline): Conflicting classifications of pathogenicity. Review status: criteria provided, conflicting classifications (1 of 4 stars). 4 submissions from 4 submitters: Likely pathogenic (2); Uncertain significance (2). Last evaluated 2026-03-10.

Conditions:
Bardet-Biedl syndrome 2 (BBS2). Identifiers: Orphanet 110, MedGen C2936863, MONDO:0014432, OMIM 615981.
Retinitis pigmentosa 74 (RP74). Identifiers: Orphanet 791, MedGen C4225281, MONDO:0014692, OMIM 616562.
BBS2-related disorder. Also called: BBS2-related disorders; BBS2-related condition. Identifiers: MedGen CN239228.

Allele frequency attached by ClinVar (database versions not stated): gnomAD exomes below 0.00001.

Submissions (4):

PreventionGenetics, part of Exact Sciences
Classification: Likely pathogenic for BBS2-related condition. Last evaluated: 2026-03-10. Review status: criteria provided, single submitter. Criteria: ACMG Guidelines, 2015. Collection method: clinical testing. Allele origin: germline.
Comment: The BBS2 c.1225+2dupT variant is predicted to result in an intronic duplication. This variant is not predicted to change the canonical GT splice donor sequence, but is predicted to alter splicing based on available splicing prediction programs (Alamut Visual Plus v1.6.1; SpliceAI, Jaganathan et al. 2019. PubMed ID: 30661751). To our knowledge, this variant has not been reported in the literature. This variant is reported in 0.0029% of alleles in individuals of Latino descent in gnomAD. Alternative variants (c.1225+2T>G, c.1225+2T>C, c.1225+1del) affecting this splice site have been reported to be pathogenic in ClinVar (Variation ID: 2815924, 1997192, 3240880). This variant is interpreted as likely pathogenic.

Fulgent Genetics
Classification: Uncertain significance for Bardet-Biedl syndrome 2; Retinitis pigmentosa 74. Last evaluated: 2024-06-19. Review status: criteria provided, single submitter. Criteria: ACMG Guidelines, 2015. Collection method: clinical testing. Allele origin: germline.

Baylor Genetics
Classification: Likely pathogenic for Bardet-Biedl syndrome 2. Last evaluated: 2023-10-20. Review status: criteria provided, single submitter. Criteria: ACMG Guidelines, 2015. Collection method: clinical testing. Allele origin: unknown.

Blueprint Genetics
Classification: Uncertain significance. Last evaluated: 2021-12-22. Review status: criteria provided, single submitter. Criteria: ACMG Guidelines, 2015. Collection method: clinical testing. Allele origin: germline.